The following is an entry in ClinVar:

NM_015570.4(AUTS2):c.742+1G>A

Gene: AUTS2 (activator of transcription and developmental regulator AUTS2; plus strand). Cytogenetic location: 7q11.22.
Variant type: single nucleotide variant.
Coding change: c.742+1G>A on transcript NM_015570.4 (MANE Select); the canonical splice donor site of the intron after coding-DNA position 742, G replaced by A.
Molecular consequence: splice donor variant.
Genome position (GRCh38, 1-based): chr7:70,698,621, G>A. VCF-style: chr7-70698621-G-A. GRCh37 (hg19) VCF-style: chr7-70163607-G-A.
Other names: c.742+1G>A (NM_001127231.3).
Identifiers: ClinVar variation 546070 (VCV000546070.8), dbSNP rs1554464807, ClinGen allele CA367667046.

ClinVar aggregate classification (germline): Pathogenic. Review status: criteria provided, multiple submitters, no conflicts (2 of 4 stars). 2 submissions from 2 submitters: Pathogenic (2). Last evaluated 2026-10-14.

Conditions:
Autism spectrum disorder due to AUTS2 deficiency (MRD26). Also called: INTELLECTUAL DEVELOPMENTAL DISORDER, AUTOSOMAL DOMINANT 26. Identifiers: Orphanet 352490, MedGen C4014435, MONDO:0014361, OMIM 615834.

Submissions (2):

GeneDx
Classification: Pathogenic. Last evaluated: 2026-10-14. Review status: criteria provided, single submitter. Criteria: GeneDx Variant Classification Process June 2021. Collection method: clinical testing. Allele origin: germline.
Comment: Canonical splice site variant predicted to result in a null allele in a gene for which loss of function is a known mechanism of disease; Not observed at significant frequency in large population cohorts (gnomAD); This variant is associated with the following publications: (PMID: 33057194, 31623504, 40317680, 35982159)

Centre for Mendelian Genomics, University Medical Centre Ljubljana
Classification: Pathogenic for Autism spectrum disorder due to AUTS2 deficiency. Last evaluated: 2016-01-01. Review status: criteria provided, single submitter. Criteria: ACMG Guidelines, 2015. Collection method: clinical testing. Allele origin: unknown. Affected: yes.
Comment: This variant was classified as: Pathogenic. The following ACMG criteria were applied in classifying this variant: PVS1,PM2,PM6,PP3.